The following is an entry in ClinVar:

ClinVar aggregate classification (germline): Likely pathogenic (1 of 4 stars; one submission).

Allele frequency attached by ClinVar (database versions not stated): ExAC 0.00001; gnomAD exomes 0.00001.
gnomAD v4.1: 15 of 1,613,136 alleles (0.00093%); highest among the groups gnomAD compares: Non-Finnish European, 0.0013%; no homozygotes.

Submission:

GeneDx
Classification: Likely pathogenic. Last evaluated: 2022-11-08. Review status: criteria provided, single submitter. Criteria: GeneDx Variant Classification Process June 2021. Collection method: clinical testing. Allele origin: germline. Affected: yes.
Comment: Not observed at a significant frequency in large population cohorts (gnomAD); In silico analysis supports a deleterious effect on splicing; This variant is associated with the following publications: (PMID: 25266922)

NM_002863.5(PYGL):c.856-9G>A

Gene: PYGL (glycogen phosphorylase L; minus strand). Cytogenetic location: 14q22.1.
Variant type: single nucleotide variant.
Coding change: c.856-9G>A on transcript NM_002863.5 (MANE Select); 9 bases into the intron before coding-DNA position 856, G replaced by A.
Molecular consequence: intron variant.
Genome position (GRCh38, 1-based): chr14:50,917,114, C>T on the plus strand (G>A on the coding strand, the complement: PYGL is on the minus strand). VCF-style: chr14-50917114-C-T. GRCh37 (hg19) VCF-style: chr14-51383832-C-T.
Other names: c.754-9G>A (NM_001163940.2).
Identifiers: ClinVar variation 1800777 (VCV001800777.1), dbSNP rs781589851, ClinGen allele CA7183640.
Genomic context (GRCh38, chr14:50,917,114, plus strand): 5'-CAGCCACCACAAAGTATTCCTGCTTCAATCTTAGCTCCTTCCCTTCAAAAAACTTCAAGC[C>T]AGAGAGATAGAATAAAAATGGTTCATATTGTAGGTGTGGCCAAAATGTGACTGGTGTCTC-3'